The following is an entry in ClinVar:

NM_020800.3(IFT80):c.1339A>G (p.Thr447Ala)

Genes: IFT80 (intraflagellar transport 80; minus strand), TRIM59-IFT80 (TRIM59-IFT80 readthrough (NMD candidate); minus strand). Cytogenetic location: 3q25.33.
Variant type: single nucleotide variant.
Coding change: c.1339A>G on transcript NM_020800.3 (MANE Select); coding-DNA position 1339, A replaced by G.
Protein change: p.Thr447Ala; replaces threonine 447 with alanine.
Molecular consequence: missense variant. On other transcripts: non-coding transcript variant (3).
Genome position (GRCh38, 1-based): chr3:160,285,845, T>C on the plus strand (A>G on the coding strand, the complement: IFT80 is on the minus strand). VCF-style: chr3-160285845-T-C. GRCh37 (hg19) VCF-style: chr3-160003633-T-C.
Other names: c.928A>G, p.Thr310Ala (NM_001190241.2, NM_001190242.2); short protein forms T310A, T447A.
Identifiers: ClinVar variation 902944 (VCV000902944.8), dbSNP rs1715048069, ClinGen allele CA355192607.
Genomic context (GRCh38, chr3:160,285,845, plus strand): 5'-AGTAGTTAATGTCCATTACCTTATGAGAAAGAAACTTTCCATCACCTAACGGCTTTCCGG[T>C]TGATGCCTCAAAGAGGAAGATTACTTGAAAAAAAGTAGAACATTAATTAATGTGTTATAT-3'
Protein context (NP_065851.1, residues 437-457): EKIIFLFEAS[Thr447Ala]GKPLGDGKFL

ClinVar aggregate classification (germline): Uncertain significance. Review status: criteria provided, multiple submitters, no conflicts (2 of 4 stars). 2 submissions from 2 submitters: Uncertain significance (2). Last evaluated 2021-12-08.

Conditions:
Asphyxiating thoracic dystrophy 2 (SRTD2). Also called: SHORT-RIB THORACIC DYSPLASIA 2 WITH POLYDACTYLY; SHORT-RIB THORACIC DYSPLASIA 2 WITHOUT POLYDACTYLY; SHORT-RIB THORACIC DYSPLASIA 2 WITH OR WITHOUT POLYDACTYLY. Identifiers: Orphanet 474, MedGen C1970005, MONDO:0012644, OMIM 611263.
Jeune thoracic dystrophy. Also called: Jeune syndrome; Infantile thoracic dystrophy; Thoracic pelvic phalangeal dystrophy; Jeune's syndrome; Chondroectodermal dysplasia-like syndrome; Short-rib thoracic dysplasia. Identifiers: Orphanet 474, MedGen C0265275, MONDO:0018770.

Allele frequency attached by ClinVar (database versions not stated): gnomAD exomes below 0.00001.
gnomAD v4.1: 1 of 1,612,158 alleles (0.000062%); highest among the groups gnomAD compares: Non-Finnish European, 0.000085%; no homozygotes.

Submissions (2):

Labcorp Genetics (formerly Invitae), Labcorp
Classification: Uncertain significance for Jeune thoracic dystrophy. Last evaluated: 2021-12-08. Review status: criteria provided, single submitter. Criteria: Invitae Variant Classification Sherloc (09022015). Collection method: clinical testing. Allele origin: germline.
Comment: In summary, the available evidence is currently insufficient to determine the role of this variant in disease. Therefore, it has been classified as a Variant of Uncertain Significance. Algorithms developed to predict the effect of missense changes on protein structure and function (SIFT, PolyPhen-2, Align-GVGD) all suggest that this variant is likely to be tolerated. This sequence change replaces threonine, which is neutral and polar, with alanine, which is neutral and non-polar, at codon 447 of the IFT80 protein (p.Thr447Ala). This variant is not present in population databases (gnomAD no frequency). This variant has not been reported in the literature in individuals affected with IFT80-related conditions. ClinVar contains an entry for this variant (Variation ID: 902944).

Illumina Laboratory Services, Illumina
Classification: Uncertain significance for Asphyxiating thoracic dystrophy 2. Last evaluated: 2018-03-16. Review status: criteria provided, single submitter. Criteria: ICSL Variant Classification Criteria 13 December 2019. Collection method: clinical testing. Allele origin: germline.